The following is an entry in ClinVar:

NM_001931.5(DLAT):c.381+1G>T

Gene: DLAT (dihydrolipoamide S-acetyltransferase; plus strand). Cytogenetic location: 11q23.1.
Variant type: single nucleotide variant.
Coding change: c.381+1G>T on transcript NM_001931.5 (MANE Select); the canonical splice donor site of the intron after coding-DNA position 381, G replaced by T.
Molecular consequence: splice donor variant. On other transcripts: intron variant (1).
Genome position (GRCh38, 1-based): chr11:112,026,300, G>T. VCF-style: chr11-112026300-G-T. GRCh37 (hg19) VCF-style: chr11-111897024-G-T.
Other names: c.-86+1G>T (NM_001372042.1); c.381+1G>T (NM_001372031.1, NM_001372033.1, NM_001372035.1 and 4 more transcripts); c.364+18G>T (NM_001372040.1); c.348+1G>T (NM_001372034.1); c.255+1G>T (NM_001372036.1); c.213+1G>T (NM_001372037.1).
Identifiers: ClinVar variation 2782037 (VCV002782037.3), dbSNP rs1862000857, ClinGen allele CA382598154.

ClinVar aggregate classification (germline): Likely pathogenic (1 of 4 stars; one submission).

Conditions:
Pyruvate dehydrogenase E2 deficiency (PDHDD). Also called: Dihydrolipoamide Acetyltransferase (E2) Deficiency; LACTIC ACIDEMIA DUE TO DEFECT OF E2 LIPOYL TRANSACETYLASE OF THE PYRUVATE DEHYDROGENASE COMPLEX. Identifiers: Orphanet 765, Orphanet 79244, MedGen C1855565, MONDO:0009502, OMIM 245348.

Allele frequency attached by ClinVar (database versions not stated): gnomAD 0.00001.

Submission:

Labcorp Genetics (formerly Invitae), Labcorp
Classification: Likely pathogenic for Pyruvate dehydrogenase E2 deficiency. Last evaluated: 2024-10-23. Review status: criteria provided, single submitter. Criteria: Invitae Variant Classification Sherloc (09022015). Collection method: clinical testing. Allele origin: germline.
Comment: This sequence change affects a donor splice site in intron 2 of the DLAT gene. It is expected to disrupt RNA splicing. Variants that disrupt the donor or acceptor splice site typically lead to a loss of protein function (PMID: 16199547), and loss-of-function variants in DLAT are known to be pathogenic (PMID: 20022530, 23021068). This variant is not present in population databases (gnomAD no frequency). This variant has not been reported in the literature in individuals affected with DLAT-related conditions. Algorithms developed to predict the effect of sequence changes on RNA splicing suggest that this variant may disrupt the consensus splice site. In summary, the currently available evidence indicates that the variant is pathogenic, but additional data are needed to prove that conclusively. Therefore, this variant has been classified as Likely Pathogenic.

Literature cited by the submitters: PubMed 16199547; PubMed 20022530; PubMed 23021068.